The following is an entry in ClinVar:

NM_001613.4(ACTA2):c.258G>C (p.Lys86Asn)

Gene: ACTA2 (actin alpha 2, smooth muscle; minus strand). Cytogenetic location: 10q23.31.
Variant type: single nucleotide variant.
Coding change: c.258G>C on transcript NM_001613.4 (MANE Select); coding-DNA position 258, G replaced by C.
Protein change: p.Lys86Asn; replaces lysine 86 with asparagine.
Molecular consequence: missense variant. On other transcripts: intron variant (3).
Genome position (GRCh38, 1-based): chr10:88,947,258, C>G on the plus strand (G>C on the coding strand, the complement: ACTA2 is on the minus strand). VCF-style: chr10-88947258-C-G. GRCh37 (hg19) VCF-style: chr10-90707015-C-G.
Other names: c.258G>C, p.Lys86Asn (NM_001141945.3, NM_001320855.2, NM_001406462.1 and 4 more transcripts); c.129+1544G>C (NM_001406467.1, NM_001406468.1, NM_001406469.1); short protein forms K86N.
Identifiers: ClinVar variation 3655065 (VCV003655065.2).
Genomic context (GRCh38, chr10:88,947,258, plus strand): 5'-TATCAGAGAACACAGGGATTATGCATCCTGAGGGCCCAAGCTGCAGCAAACCTCCCATAC[C>G]TTTTCCATGTCGTCCCAGTTGGTGATGATGCCATGTTCTATCGGGTACTTCAGGGTCAGG-3'
Protein context (NP_001604.1, residues 76-96): GIITNWDDME[Lys86Asn]IWHHSFYNEL

ClinVar aggregate classification (germline): Uncertain significance (1 of 4 stars; one submission).

Conditions:
Aortic aneurysm, familial thoracic 6 (AAT6). Also called: FAMILIAL THORACIC AORTIC ANEURYSM WITH LIVEDO RETICULARIS AND IRIS FLOCCULI. Identifiers: MedGen C2673186, MONDO:0012730, OMIM 611788.

Submission:

Labcorp Genetics (formerly Invitae), Labcorp
Classification: Uncertain significance for Aortic aneurysm, familial thoracic 6. Last evaluated: 2025-03-11. Review status: criteria provided, single submitter. Criteria: Invitae Variant Classification Sherloc (09022015). Collection method: clinical testing. Allele origin: germline.
Comment: This sequence change replaces lysine, which is basic and polar, with asparagine, which is neutral and polar, at codon 86 of the ACTA2 protein (p.Lys86Asn). This variant also falls at the last nucleotide of exon 3, which is part of the consensus splice site for this exon. This variant is not present in population databases (gnomAD no frequency). This variant has not been reported in the literature in individuals affected with ACTA2-related conditions. An algorithm developed to predict the effect of missense changes on protein structure and function (PolyPhen-2) suggests that this variant is likely to be tolerated. Variants that disrupt the consensus splice site are a relatively common cause of aberrant splicing (PMID: 17576681, 9536098). Algorithms developed to predict the effect of sequence changes on RNA splicing suggest that this variant may disrupt the consensus splice site. In summary, the available evidence is currently insufficient to determine the role of this variant in disease. Therefore, it has been classified as a Variant of Uncertain Significance.

Literature cited by the submitters: PubMed 17576681; PubMed 9536098.